The following is an entry in ClinVar:

NM_001927.4(DES):c.985C>T (p.Gln329Ter)

Gene: DES (desmin; plus strand). Cytogenetic location: 2q35.
Variant type: single nucleotide variant.
Coding change: c.985C>T on transcript NM_001927.4 (MANE Select); coding-DNA position 985, C replaced by T.
Protein change: p.Gln329Ter; replaces glutamine 329 with a stop codon.
Molecular consequence: nonsense.
Genome position (GRCh38, 1-based): chr2:219,420,915, C>T. VCF-style: chr2-219420915-C-T. GRCh37 (hg19) VCF-style: chr2-220285637-C-T.
Other names: c.985C>T (LRG_380t1); short protein forms Q329*.
Identifiers: ClinVar variation 520492 (VCV000520492.15), dbSNP rs759320891, ClinGen allele CA2125199.

ClinVar aggregate classification (germline): Conflicting classifications of pathogenicity. Review status: criteria provided, conflicting classifications (1 of 4 stars). 6 submissions from 6 submitters: Pathogenic (2); Likely pathogenic (3); Uncertain significance (1). Last evaluated 2025-02-28.

Conditions:
Desmin-related myofibrillar myopathy (MFM1). Also called: Desminopathy; Desmin related myopathy (former name); Desmin storage myopathy (former name); MYOFIBRILLAR MYOPATHY WITH ARRHYTHMOGENIC RIGHT VENTRICULAR CARDIOMYOPATHY; DESMIN-RELATED MYOPATHY WITH ARRHYTHMOGENIC RIGHT VENTRICULAR CARDIOMYOPATHY; Myofibrillar myopathy 1. Identifiers: Orphanet 363543, Orphanet 98909, MedGen C1832370, MONDO:0011076, OMIM 601419.
Cardiovascular phenotype. Identifiers: MedGen CN230736.
Cardiomyopathy (CMYO). Also called: Cardiomyopathies. Identifiers: Orphanet 167848, MedGen C0878544, MONDO:0004994, HP:0001638. Inheritance: Various modes of inheritance.

Allele frequency attached by ClinVar (database versions not stated): ExAC 0.00001; TOPMed 0.00001.
gnomAD v4.1: 3 of 1,613,644 alleles (0.00019%); highest among the groups gnomAD compares: Non-Finnish European, 0.00025%; no homozygotes.

Submissions (6):

Ambry Genetics
Classification: Uncertain significance for Cardiovascular phenotype. Last evaluated: 2025-02-28. Review status: criteria provided, single submitter. Criteria: Ambry Variant Classification Scheme 2023. Collection method: clinical testing. Allele origin: germline.
Comment: The p.Q329* variant (also known as c.985C>T), located in coding exon 5 of the DES gene, results from a C to T substitution at nucleotide position 985. This changes the amino acid from a glutamine to a stop codon within coding exon 5. This alteration is expected to result in loss of function by premature protein truncation or nonsense-mediated mRNA decay. Although biallelic loss of function alterations in DES have been associated with autosomal recessive DES-related myofibrillar myopathy, haploinsufficiency for DES has not been clearly established as a mechanism of disease for autosomal dominant DES-related myopathy. Based on the supporting evidence, this variant is expected to be causative of autosomal recessive DES-related myofibrillar myopathy when present along with a second pathogenic variant on the other allele; however, its clinical significance for autosomal dominant DES-related myopathy is unclear.

Labcorp Genetics (formerly Invitae), Labcorp
Classification: Pathogenic for Desmin-related myofibrillar myopathy. Last evaluated: 2024-10-04. Review status: criteria provided, single submitter. Criteria: Invitae Variant Classification Sherloc (09022015). Collection method: clinical testing. Allele origin: germline.
Comment: This sequence change creates a premature translational stop signal (p.Gln329*) in the DES gene. It is expected to result in an absent or disrupted protein product. Loss-of-function variants in DES are known to be pathogenic (PMID: 23575897). The frequency data for this variant in the population databases is considered unreliable, as metrics indicate poor data quality at this position in the gnomAD database. This variant has not been reported in the literature in individuals affected with DES-related conditions. ClinVar contains an entry for this variant (Variation ID: 520492). For these reasons, this variant has been classified as Pathogenic.

Molecular Diagnostic Laboratory for Inherited Cardiovascular Disease, Montreal Heart Institute
Classification: Pathogenic for Cardiovascular phenotype. Last evaluated: 2024-05-22. Review status: criteria provided, single submitter. Criteria: ACMG Guidelines, 2015. Collection method: clinical testing. Allele origin: germline. Affected: yes.
Comment: PVS1, PM2, PP5

Women's Health and Genetics/Laboratory Corporation of America, LabCorp
Classification: Likely pathogenic for Cardiomyopathy. Last evaluated: 2022-05-06. Review status: criteria provided, single submitter. Criteria: LabCorp Variant Classification Summary - May 2015. Collection method: clinical testing. Allele origin: germline.
Comment: Variant summary: DES c.985C>T (p.Gln329X) results in a premature termination codon, predicted to cause a truncation of the encoded protein or absence of the protein due to nonsense mediated decay, which are commonly known mechanisms for disease. Truncations downstream of this position have been reported in affected individuals (HGMD). The variant allele was found at a frequency of 4e-06 in 251050 control chromosomes (gnomAD). To our knowledge, no occurrence of c.985C>T in individuals affected with Cardiomyopathy and no experimental evidence demonstrating its impact on protein function have been reported. Two ClinVar submitters have assessed the variant since 2014: both classified the variant as likely pathogenic. Based on the evidence outlined above, the variant was classified as likely pathogenic.

AiLife Diagnostics
Classification: Likely pathogenic. Last evaluated: 2022-01-25. Review status: criteria provided, single submitter. Criteria: ACMG Guidelines, 2015. Collection method: clinical testing. Allele origin: germline. Affected: yes. Observed: 1 variant allele.

Laboratory for Molecular Medicine, Mass General Brigham Personalized Medicine
Classification: Likely pathogenic for Desmin-related myofibrillar myopathy. Last evaluated: 2019-02-08. Review status: criteria provided, single submitter. Criteria: ACMG Guidelines, 2015. Collection method: clinical testing. Allele origin: germline. Inheritance: Autosomal dominant inheritance.
Comment: The p.Gln329X variant in DES has not been previously reported in individuals with desmin-related myopathy but has been reported in ClinVar (Variation ID: 520492). This variant has been identified in 1/113572 European chromosomes by the Genome Aggregation Database (gnomAD). This nonsense variant leads to a premature termination codon at position 329, which is predicted to lead to a truncated or absent protein. Heterozygous loss of function of the DES gene is an established disease mechanism in desmin-related myopathy. In summary, although additional studies are required to fully establish its clinical significance, the p.Gln329X variant is likely pathogenic. ACMG/AMP Criteria applied: PVS1, PM2.

Literature cited by the submitters: PubMed 23575897 (cited by Labcorp Genetics (formerly Invitae), Labcorp).